The following is an entry in ClinVar:

NM_025243.4(SLC19A3):c.172G>T (p.Val58Phe)

Gene: SLC19A3 (solute carrier family 19 member 3; minus strand). Cytogenetic location: 2q36.3.
Variant type: single nucleotide variant.
Coding change: c.172G>T on transcript NM_025243.4 (MANE Select); coding-DNA position 172, G replaced by T.
Protein change: p.Val58Phe; replaces valine 58 with phenylalanine.
Molecular consequence: missense variant.
Genome position (GRCh38, 1-based): chr2:227,699,543, C>A on the plus strand (G>T on the coding strand, the complement: SLC19A3 is on the minus strand). VCF-style: chr2-227699543-C-A. GRCh37 (hg19) VCF-style: chr2-228564259-C-A.
Other names: c.172G>T, p.Val58Phe (NM_001371411.1, NM_001371412.1); c.160G>T, p.Val54Phe (NM_001371413.1, NM_001371414.1); short protein forms V58F, V54F.
Identifiers: ClinVar variation 855974 (VCV000855974.10), dbSNP rs200412423, ClinGen allele CA2149359.

ClinVar aggregate classification (germline): Uncertain significance (1 of 4 stars; one submission).

Conditions:
Biotin-responsive basal ganglia disease (BTBGD). Also called: thiamine-responsive encephalopathy; THIAMINE METABOLISM DYSFUNCTION SYNDROME 2 (BIOTIN- AND THIAMINE-RESPONSIVE TYPE); Thiamine Transporter-2 Deficiency; Thiamine metabolism dysfunction syndrome 2 (biotin- or thiamine-responsive encephalopathy type 2); Thiamine metabolism dysfunction syndrome type 2. Identifiers: Orphanet 199348, Orphanet 65284, MedGen C1843807, MONDO:0011841, OMIM 607483.

gnomAD v4.1: 5 of 1,614,108 alleles (0.00031%); highest among the groups gnomAD compares: Admixed American, 0.0017%; no homozygotes.

Submission:

Labcorp Genetics (formerly Invitae), Labcorp
Classification: Uncertain significance for Biotin-responsive basal ganglia disease. Last evaluated: 2019-03-13. Review status: criteria provided, single submitter. Criteria: Invitae Variant Classification Sherloc (09022015). Collection method: clinical testing. Allele origin: germline.
Comment: This variant has not been reported in the literature in individuals with SLC19A3-related conditions. In summary, the available evidence is currently insufficient to determine the role of this variant in disease. Therefore, it has been classified as a Variant of Uncertain Significance. Algorithms developed to predict the effect of missense changes on protein structure and function are either unavailable or do not agree on the potential impact of this missense change (SIFT: "Deleterious"; PolyPhen-2: "Probably Damaging"; Align-GVGD: "Class C0"). This variant is present in population databases (rs200412423, ExAC 0.002%). This sequence change replaces valine with phenylalanine at codon 58 of the SLC19A3 protein (p.Val58Phe). The valine residue is moderately conserved and there is a small physicochemical difference between valine and phenylalanine.